The following is an entry in ClinVar:

NM_006432.5(NPC2):c.360dup (p.Ser121fs)

Gene: NPC2 (NPC intracellular cholesterol transporter 2; minus strand). Cytogenetic location: 14q24.3.
Variant type: Duplication.
Coding change: c.360dup on transcript NM_006432.5 (MANE Select); coding-DNA position 360, one base duplicated (C; older notation c.360dupC).
Protein change: p.Ser121fs; shifts the reading frame from serine 121.
Molecular consequence: frameshift variant.
Genome position (GRCh38, 1-based): chr14:74,484,418, G duplicated on the plus strand (C on the coding strand, the reverse complement: NPC2 is on the minus strand); the first of 3 consecutive G bases (chr14:74,484,418-74,484,420); duplicating any one gives the same sequence. VCF-style (leftmost placement, unchanged base first): chr14-74484417-A-AG. GRCh37 (hg19) VCF-style: chr14-74951120-A-AG.
Other names: c.360dup, p.Ser121fs (NM_001363688.1, NM_001375440.1); short protein forms S121fs.
Identifiers: ClinVar variation 5003767 (VCV005003767.1).
Genomic context (GRCh38, chr14:74,484,417, plus strand): 5'-CTCAGAACTCTAATCCAGTCCCAAGGCCTCCCGTGTCCTCAATAATGGTATCACTTACAG[A>AG]GGGATATTCGCTTTTCACTGGTAGTTTATTCAGGTAGCTATAGGTCTTGTCTTTTTGGAT-3'

ClinVar aggregate classification (germline): Pathogenic (1 of 4 stars; one submission).

Conditions:
Niemann-Pick disease, type C2 (NPC2). Identifiers: Orphanet 646, MedGen C1843366, MONDO:0011873, OMIM 607625.

Submission:

Myriad Genetics, Inc.
Classification: Pathogenic for Niemann-Pick disease, type C2. Last evaluated: 2025-12-31. Review status: criteria provided, single submitter. Criteria: Myriad Autosomal Dominant, Autosomal Recessive and X-Linked Classification Criteria (2023). Collection method: clinical testing. Allele origin: unknown.
Comment: NM_006432.3(NPC2):c.360dupC(S121Lfs*13) is a frameshift variant classified as pathogenic in the context of Niemann-Pick disease type C2. S121Lfs*13 has not been observed in cases with relevant disease. Relevant functional assessments of this variant are not available in the literature. S121Lfs*13 has not been observed in referenced population frequency databases. In summary, NM_006432.3(NPC2):c.360dupC(S121Lfs*13) is a frameshift variant in a gene where loss of function is a known mechanism of disease and is predicted to disrupt protein function. Please note: this variant was assessed in the context of healthy population screening.